The following is an entry in ClinVar:

NM_000744.7(CHRNA4):c.220A>C (p.Ile74Leu)

Gene: CHRNA4 (cholinergic receptor nicotinic alpha 4 subunit; minus strand). Cytogenetic location: 20q13.33.
Variant type: single nucleotide variant.
Coding change: c.220A>C on transcript NM_000744.7 (MANE Select); coding-DNA position 220, A replaced by C.
Protein change: p.Ile74Leu; replaces isoleucine 74 with leucine.
Molecular consequence: missense variant. On other transcripts: 5 prime UTR variant (1), non-coding transcript variant (1).
Genome position (GRCh38, 1-based): chr20:63,359,556, T>G on the plus strand (A>C on the coding strand, the complement: CHRNA4 is on the minus strand). VCF-style: chr20-63359556-T-G. GRCh37 (hg19) VCF-style: chr20-61990908-T-G.
Other names: c.-327A>C (NM_001256573.2); c.220A>C (NM_000744.5); short protein forms I74L.
Identifiers: ClinVar variation 846473 (VCV000846473.10), dbSNP rs2068771449, ClinGen allele CA409643071.

ClinVar aggregate classification (germline): Uncertain significance. Review status: criteria provided, multiple submitters, no conflicts (2 of 4 stars). 2 submissions from 2 submitters: Uncertain significance (2). Last evaluated 2022-08-16.

Conditions:
Familial sleep-related hypermotor epilepsy. Also called: Autosomal Dominant Sleep-Related Hypermotor (Hyperkinetic) Epilepsy. Identifiers: Orphanet 98784, MedGen C3696898, MONDO:0000030.
Inborn genetic diseases. Identifiers: MedGen C0950123, MeSH D030342.

Submissions (2):

Ambry Genetics
Classification: Uncertain significance for Inborn genetic diseases. Last evaluated: 2022-08-16. Review status: criteria provided, single submitter. Criteria: Ambry Variant Classification Scheme 2023. Collection method: clinical testing. Allele origin: germline.

Labcorp Genetics (formerly Invitae), Labcorp
Classification: Uncertain significance. Last evaluated: 2022-07-12. Review status: criteria provided, single submitter. Criteria: Invitae Variant Classification Sherloc (09022015). Collection method: clinical testing. Allele origin: germline.
Comment: This sequence change replaces isoleucine, which is neutral and non-polar, with leucine, which is neutral and non-polar, at codon 74 of the CHRNA4 protein (p.Ile74Leu). This variant has not been reported in the literature in individuals affected with CHRNA4-related conditions. This variant is not present in population databases (gnomAD no frequency). In summary, the available evidence is currently insufficient to determine the role of this variant in disease. Therefore, it has been classified as a Variant of Uncertain Significance. Algorithms developed to predict the effect of missense changes on protein structure and function are either unavailable or do not agree on the potential impact of this missense change (SIFT: "Deleterious"; PolyPhen-2: "Probably Damaging"; Align-GVGD: "Class C0"). ClinVar contains an entry for this variant (Variation ID: 846473). This missense change has been observed in at least one individual who was not affected with CHRNA4-related conditions (Invitae).